The following is an entry in ClinVar:

ClinVar aggregate classification (germline): Uncertain significance (1 of 4 stars; one submission).

Submission:

Labcorp Genetics (formerly Invitae), Labcorp
Classification: Uncertain significance. Last evaluated: 2025-12-25. Review status: criteria provided, single submitter. Criteria: Invitae Variant Classification Sherloc (09022015). Collection method: clinical testing. Allele origin: germline.
Comment: This sequence change replaces alanine, which is neutral and non-polar, with valine, which is neutral and non-polar, at codon 9 of the CD96 protein (p.Ala9Val). This variant is present in population databases (rs137934634, gnomAD 0.02%). This variant has not been reported in the literature in individuals affected with CD96-related conditions. Invitae Evidence Modeling of protein sequence and biophysical properties (such as structural, functional, and spatial information, amino acid conservation, physicochemical variation, residue mobility, and thermodynamic stability) indicates that this missense variant is not expected to disrupt CD96 protein function with a negative predictive value of 80%. In summary, the available evidence is currently insufficient to determine the role of this variant in disease. Therefore, it has been classified as a Variant of Uncertain Significance.

NM_005816.5(CD96):c.26C>T (p.Ala9Val)

Gene: CD96 (CD96 molecule; plus strand). Cytogenetic location: 3q13.13.
Variant type: single nucleotide variant.
Coding change: c.26C>T on transcript NM_005816.5 (MANE Select); coding-DNA position 26, C replaced by T.
Protein change: p.Ala9Val; replaces alanine 9 with valine.
Molecular consequence: missense variant. On other transcripts: non-coding transcript variant (1).
Genome position (GRCh38, 1-based): chr3:111,542,274, C>T. VCF-style: chr3-111542274-C-T. GRCh37 (hg19) VCF-style: chr3-111261121-C-T.
Other names: c.26C>T, p.Ala9Val (NM_001318889.2, NM_001410800.1, NM_198196.3); short protein forms A9V.
Identifiers: ClinVar variation 4804177 (VCV004804177.1).